The following is an entry in ClinVar:

NM_174936.4(PCSK9):c.859C>A (p.Leu287Met)

Gene: PCSK9 (proprotein convertase subtilisin/kexin type 9; plus strand). Cytogenetic location: 1p32.3.
Variant type: single nucleotide variant.
Coding change: c.859C>A on transcript NM_174936.4 (MANE Select); coding-DNA position 859, C replaced by A.
Protein change: p.Leu287Met; replaces leucine 287 with methionine.
Molecular consequence: missense variant. On other transcripts: non-coding transcript variant (8).
Genome position (GRCh38, 1-based): chr1:55,056,052, C>A. VCF-style: chr1-55056052-C-A. GRCh37 (hg19) VCF-style: chr1-55521725-C-A.
Other names: c.982C>A, p.Leu328Met (NM_001407240.1); c.859C>A, p.Leu287Met (NM_001407241.1, NM_001407244.1, NM_001407247.1); c.862C>A, p.Leu288Met (NM_001407242.1); c.802C>A, p.Leu268Met (NM_001407243.1); c.667C>A, p.Leu223Met (NM_001407245.1); c.484C>A, p.Leu162Met (NM_001407246.1); short protein forms L162M, L223M, L268M, L287M, L288M, L328M.
Identifiers: ClinVar variation 3390436 (VCV003390436.1).

ClinVar aggregate classification (germline): Uncertain significance (1 of 4 stars; one submission).

gnomAD v4.1: 1 of 1,608,218 alleles (0.000062%); highest among the groups gnomAD compares: Non-Finnish European, 0.000085%; no homozygotes.

Submission:

GeneDx
Classification: Uncertain significance. Last evaluated: 2024-06-11. Review status: criteria provided, single submitter. Criteria: GeneDx Variant Classification Process June 2021. Collection method: clinical testing. Allele origin: germline. Affected: yes.
Comment: Not observed at significant frequency in large population cohorts (gnomAD); In silico analysis indicates that this missense variant does not alter protein structure/function; Has not been previously published as pathogenic or benign to our knowledge